The following is an entry in ClinVar:

ClinVar aggregate classification (germline): Uncertain significance (1 of 4 stars; one submission).

Conditions:
Hereditary cancer-predisposing syndrome. Also called: Neoplastic Syndromes, Hereditary; Tumor predisposition; Hereditary Cancer Syndrome; Hereditary neoplastic syndrome. Identifiers: Orphanet 140162, MedGen C0027672, MeSH D009386, MONDO:0015356.

Submission:

Ambry Genetics
Classification: Uncertain significance for Hereditary cancer-predisposing syndrome. Last evaluated: 2026-06-13. Review status: criteria provided, single submitter. Criteria: Ambry Variant Classification Scheme 2023. Collection method: clinical testing. Allele origin: germline.
Comment: The p.V2181I variant (also known as c.6541G>A), located in coding exon 47 of the POLE gene, results from a G to A substitution at nucleotide position 6541. The valine at codon 2181 is replaced by isoleucine, an amino acid with highly similar properties. This amino acid position is conserved. In addition, this alteration is predicted to be tolerated by in silico analysis. Based on the available evidence, the clinical significance of this variant remains unclear.

NM_006231.4(POLE):c.6541G>A (p.Val2181Ile)

Gene: POLE (DNA polymerase epsilon, catalytic subunit; minus strand). Cytogenetic location: 12q24.33.
Variant type: single nucleotide variant.
Coding change: c.6541G>A on transcript NM_006231.4 (MANE Select); coding-DNA position 6541, G replaced by A.
Protein change: p.Val2181Ile; replaces valine 2181 with isoleucine.
Molecular consequence: missense variant.
Genome position (GRCh38, 1-based): chr12:132,625,761, C>T on the plus strand (G>A on the coding strand, the complement: POLE is on the minus strand). VCF-style: chr12-132625761-C-T. GRCh37 (hg19) VCF-style: chr12-133202347-C-T.
Other names: short protein forms V2181I.
Identifiers: ClinVar variation 4862219 (VCV004862219.1).
Genomic context (GRCh38, chr12:132,625,761, plus strand): 5'-TCTCGATGGCAGAGGAGTCGTAGGGCGCCTGACAGTTGGAGCAGAGCCACTGAGGCAGGA[C>T]CGCCCCATCCTAGGCAGAGCAAGAGTGCGAGAGGTCACCAGCCCAGCCTCCAGACCACAG-3'
Protein context (NP_006222.2, residues 2171-2191): KDSSFSEDGA[Val2181Ile]LPQWLCSNCQ